The following is an entry in ClinVar:

ClinVar aggregate classification (germline): Conflicting classifications of pathogenicity. Review status: criteria provided, conflicting classifications (1 of 4 stars). 2 submissions from 2 submitters: Uncertain significance (1); Likely benign (1). Last evaluated 2021-10-17.

Conditions:
Hereditary cancer-predisposing syndrome. Also called: Hereditary Cancer Syndrome; Tumor predisposition; Neoplastic Syndromes, Hereditary; Hereditary neoplastic syndrome. Identifiers: Orphanet 140162, MedGen C0027672, MeSH D009386, MONDO:0015356.
Gastrointestinal stromal tumor. Also called: Gastrointestinal stromal tumor, somatic; Gastrointestinal stroma tumor. Identifiers: Orphanet 44890, MedGen C0238198, MeSH D046152, MONDO:0011719, OMIM 606764, HP:0100723.

Allele frequency attached by ClinVar (database versions not stated): gnomAD exomes 0.00001.
gnomAD v4.1: 6 of 1,613,458 alleles (0.00037%); highest among the groups gnomAD compares: South Asian, 0.0066%; no homozygotes.

Submissions (2):

Ambry Genetics
Classification: Likely benign for Hereditary cancer-predisposing syndrome. Last evaluated: 2021-10-17. Review status: criteria provided, single submitter. Criteria: Ambry Variant Classification Scheme 2023. Collection method: clinical testing. Allele origin: germline.

Labcorp Genetics (formerly Invitae), Labcorp
Classification: Uncertain significance for Gastrointestinal stromal tumor. Last evaluated: 2018-09-04. Review status: criteria provided, single submitter. Criteria: Invitae Variant Classification Sherloc (09022015). Collection method: clinical testing. Allele origin: germline.
Comment: Algorithms developed to predict the effect of missense changes on protein structure and function (SIFT, PolyPhen-2, Align-GVGD) all suggest that this variant is likely to be disruptive, but these predictions have not been confirmed by published functional studies and their clinical significance is uncertain. In summary, the available evidence is currently insufficient to determine the role of this variant in disease. Therefore, it has been classified as a Variant of Uncertain Significance. This variant has not been reported in the literature in individuals with PDGFRA-related disease. This sequence change replaces alanine with serine at codon 640 of the PDGFRA protein (p.Ala640Ser). The alanine residue is highly conserved and there is a moderate physicochemical difference between alanine and serine. This variant is not present in population databases (ExAC no frequency).

NM_006206.6(PDGFRA):c.1918G>T (p.Ala640Ser)

Gene: PDGFRA (platelet derived growth factor receptor alpha; plus strand). Cytogenetic location: 4q12.
Variant type: single nucleotide variant.
Coding change: c.1918G>T on transcript NM_006206.6 (MANE Select); coding-DNA position 1918, G replaced by T.
Protein change: p.Ala640Ser; replaces alanine 640 with serine.
Molecular consequence: missense variant.
Genome position (GRCh38, 1-based): chr4:54,277,922, G>T. VCF-style: chr4-54277922-G-T. GRCh37 (hg19) VCF-style: chr4-55144089-G-T.
Other names: c.1918G>T, p.Ala640Ser (NM_001347827.2, NM_001347829.2); c.1993G>T, p.Ala665Ser (NM_001347828.2); c.1957G>T, p.Ala653Ser (NM_001347830.2); short protein forms A640S, A653S, A665S.
Identifiers: ClinVar variation 643336 (VCV000643336.11), dbSNP rs1397203869, ClinGen allele CA356893622.